The following is an entry in ClinVar:

ClinVar aggregate classification (germline): Uncertain significance (1 of 4 stars; one submission).

gnomAD v4.1: 1 of 1,612,018 alleles (0.000062%); highest among the groups gnomAD compares: Non-Finnish European, 0.000085%; no homozygotes.

Submission:

GeneDx
Classification: Uncertain significance. Last evaluated: 2023-11-15. Review status: criteria provided, single submitter. Criteria: GeneDx Variant Classification Process June 2021. Collection method: clinical testing. Allele origin: germline. Affected: yes.
Comment: Not observed at significant frequency in large population cohorts (gnomAD); In silico analysis supports that this missense variant does not alter protein structure/function; Has not been previously published as pathogenic or benign to our knowledge

NM_015176.4(FBXO28):c.622A>G (p.Met208Val)

Gene: FBXO28 (F-box protein 28; plus strand). Cytogenetic location: 1q42.11.
Variant type: single nucleotide variant.
Coding change: c.622A>G on transcript NM_015176.4 (MANE Select); coding-DNA position 622, A replaced by G.
Protein change: p.Met208Val; replaces methionine 208 with valine.
Molecular consequence: missense variant. On other transcripts: non-coding transcript variant (1), intron variant (1).
Genome position (GRCh38, 1-based): chr1:224,153,247, A>G. VCF-style: chr1-224153247-A-G. GRCh37 (hg19) VCF-style: chr1-224340949-A-G.
Other names: c.517-4105A>G (NM_001136115.3); short protein forms M208V.
Identifiers: ClinVar variation 3364445 (VCV003364445.1).
Genomic context (GRCh38, chr1:224,153,247, plus strand): 5'-AGAGCCCCTCAACGAGCTCATGAAGTACTTCAAGAATTAAGGGATATATCCTCTATGGCA[A>G]TGGAGTACTTTGATGAAAAGATTGTTCCAATTTTAAAGAGGAAATTACCAGGATCAGATG-3'
Protein context (NP_055991.1, residues 198-218): QELRDISSMA[Met208Val]EYFDEKIVPI